The following is an entry in ClinVar:

ClinVar aggregate classification (germline): Uncertain significance (1 of 4 stars; one submission).

Submission:

Labcorp Genetics (formerly Invitae), Labcorp
Classification: Uncertain significance. Last evaluated: 2023-01-03. Review status: criteria provided, single submitter. Criteria: Invitae Variant Classification Sherloc (09022015). Collection method: clinical testing. Allele origin: germline.
Comment: In summary, the available evidence is currently insufficient to determine the role of this variant in disease. Therefore, it has been classified as a Variant of Uncertain Significance. Advanced modeling of protein sequence and biophysical properties (such as structural, functional, and spatial information, amino acid conservation, physicochemical variation, residue mobility, and thermodynamic stability) performed at Invitae indicates that this missense variant is not expected to disrupt WNT1 protein function. This variant has not been reported in the literature in individuals affected with WNT1-related conditions. The frequency data for this variant in the population databases is considered unreliable, as metrics indicate poor data quality at this position in the gnomAD database. This sequence change replaces threonine, which is neutral and polar, with methionine, which is neutral and non-polar, at codon 300 of the WNT1 protein (p.Thr300Met).

NM_005430.4(WNT1):c.899C>T (p.Thr300Met)

Gene: WNT1 (Wnt family member 1; plus strand). Cytogenetic location: 12q13.12.
Variant type: single nucleotide variant.
Coding change: c.899C>T on transcript NM_005430.4 (MANE Select); coding-DNA position 899, C replaced by T.
Protein change: p.Thr300Met; replaces threonine 300 with methionine.
Molecular consequence: missense variant.
Genome position (GRCh38, 1-based): chr12:48,981,426, C>T. VCF-style: chr12-48981426-C-T. GRCh37 (hg19) VCF-style: chr12-49375209-C-T.
Other names: short protein forms T300M.
Identifiers: ClinVar variation 3012039 (VCV003012039.3), dbSNP rs531388810, ClinGen allele CA384636898.